The following is an entry in ClinVar:

NM_001985.3(ETFB):c.597+6C>A

Gene: ETFB (electron transfer flavoprotein subunit beta; minus strand). Cytogenetic location: 19q13.41.
Variant type: single nucleotide variant.
Coding change: c.597+6C>A on transcript NM_001985.3 (MANE Select); 6 bases into the intron after coding-DNA position 597, C replaced by A.
Molecular consequence: intron variant.
Genome position (GRCh38, 1-based): chr19:51,346,894, G>T on the plus strand (C>A on the coding strand, the complement: ETFB is on the minus strand). VCF-style: chr19-51346894-G-T. GRCh37 (hg19) VCF-style: chr19-51850148-G-T.
Other names: c.870+6C>A (NM_001014763.1).
Identifiers: ClinVar variation 517908 (VCV000517908.1), dbSNP rs539989327, ClinGen allele CA9610713.
Genomic context (GRCh38, chr19:51,346,894, plus strand): 5'-GGGGCACTGGGCTGGCAATGTGCTTGCCACCCCCAGGCCCTCAGTGCCCGCTGGCCAGGG[G>T]CTCACCATGATGTTGGGCAGCGTGGCGTAGCGGGGCTCGTTGAGCCTCAGGTCAGCTGTC-3'

ClinVar aggregate classification (germline): Likely benign (1 of 4 stars; one submission).

Allele frequency attached by ClinVar (database versions not stated): gnomAD exomes 0.00004; ExAC 0.00005; 1000 Genomes Project 30x 0.00016; 1000 Genomes Project 0.00020.
gnomAD v4.1: 9 of 1,550,328 alleles (0.00058%); highest among the groups gnomAD compares: South Asian, 0.011%; 1 homozygote.

Submission:

GeneDx
Classification: Likely benign. Last evaluated: 2017-06-05. Review status: criteria provided, single submitter. Criteria: GeneDx Variant Classification (06012015). Collection method: clinical testing. Allele origin: germline. Affected: yes.
Comment: This variant is considered likely benign or benign based on one or more of the following criteria: it is a conservative change, it occurs at a poorly conserved position in the protein, it is predicted to be benign by multiple in silico algorithms, and/or has population frequency not consistent with disease.